The following is an entry in ClinVar:

NM_001257357.2(RAB44):c.2899G>C (p.Glu967Gln)

Gene: RAB44 (RAB44, member RAS oncogene family; plus strand). Cytogenetic location: 6p21.2.
Variant type: single nucleotide variant.
Coding change: c.2899G>C on transcript NM_001257357.2 (MANE Select); coding-DNA position 2899, G replaced by C.
Protein change: p.Glu967Gln; replaces glutamic acid 967 with glutamine.
Molecular consequence: missense variant.
Genome position (GRCh38, 1-based): chr6:36,730,673, G>C. VCF-style: chr6-36730673-G-C. GRCh37 (hg19) VCF-style: chr6-36698450-G-C.
Other names: short protein forms E967Q.
Identifiers: ClinVar variation 3774548 (VCV003774548.1).

ClinVar aggregate classification (germline): Uncertain significance (1 of 4 stars; one submission).

Conditions:
Familial meningioma. Also called: Meningioma, familial, susceptibility to. Identifiers: Orphanet 263662, MedGen C3551915, MONDO:0011789, OMIM 607174.

gnomAD v4.1: 74 of 1,234,230 alleles (0.006%); highest among the groups gnomAD compares: South Asian, 0.26%; 1 homozygote.

Submission:

Dr. Guy Rouleau's laboratory, McGill University
Classification: Uncertain significance for Familial meningioma. Last evaluated: 2025-03-22. Review status: criteria provided, single submitter. Criteria: ACMG Guidelines, 2015. Collection method: research. Allele origin: germline. Affected: yes.
Comment: This missense variant located at the position 967, is change from Glutamic acid (E), an acidic aminoacid to Glutamine (Q) neutral and polar amino acid in RAB44 gene. This variant has not been reported in population database (gnomAD v4.1.1 no frequency). Based on the available evidence, the clinical significance of this variant is unknown.